The following is an entry in ClinVar:

NM_001267550.2(TTN):c.107591T>C (p.Val35864Ala)

Genes: TTN-AS1 (TTN antisense RNA 1; plus strand), TTN (titin; minus strand). Cytogenetic location: 2q31.2.
Variant type: single nucleotide variant.
Coding change: c.107591T>C on transcript NM_001267550.2 (MANE Select); coding-DNA position 107591, T replaced by C.
Protein change: p.Val35864Ala; replaces valine 35864 with alanine.
Molecular consequence: missense variant.
Genome position (GRCh38, 1-based): chr2:178,527,535, A>G on the plus strand (T>C on the coding strand, the complement: TTN is on the minus strand). VCF-style: chr2-178527535-A-G. GRCh37 (hg19) VCF-style: chr2-179392262-A-G.
Other names: p.V34223A:GTA>GCA; c.102668T>C, p.Val34223Ala (NM_001256850.1); c.80396T>C, p.Val26799Ala (NM_003319.4); c.99887T>C, p.Val33296Ala (NM_133378.4); c.80771T>C, p.Val26924Ala (NM_133432.3); c.80972T>C, p.Val26991Ala (NM_133437.4); short protein forms V35864A, V34223A, V33296A, V26799A, V26924A, V26991A.
Identifiers: ClinVar variation 196725 (VCV000196725.14), dbSNP rs374859388, ClinGen allele CA302948.

ClinVar aggregate classification (germline): Conflicting classifications of pathogenicity. Review status: criteria provided, conflicting classifications (1 of 4 stars). 6 submissions from 6 submitters: Uncertain significance (5); Likely benign (1). Last evaluated 2026-03-13.

Conditions:
Dilated cardiomyopathy 1G (CMD1G). Identifiers: Orphanet 154, MedGen C1858763, MONDO:0011400, OMIM 604145.
Autosomal recessive limb-girdle muscular dystrophy type 2J (LGMDR10). Also called: MUSCULAR DYSTROPHY, LIMB-GIRDLE, AUTOSOMAL RECESSIVE 10; Limb-girdle muscular dystrophy, type 2J. Identifiers: Orphanet 140922, MedGen C1837342, MONDO:0012127, OMIM 608807.

Allele frequency attached by ClinVar (database versions not stated): gnomAD exomes 0.00002 and 0.00004; TOPMed 0.00002; ESP Exome Variant Server 0.00017; gnomAD 0.00003 and 0.00004; ExAC 0.00004.
gnomAD v4.1: 59 of 1,613,934 alleles (0.0037%); highest among the groups gnomAD compares: Non-Finnish European, 0.0048%; no homozygotes.

Submissions (6):

Women's Health and Genetics/Laboratory Corporation of America, LabCorp
Classification: Uncertain significance. Last evaluated: 2026-03-13. Review status: criteria provided, single submitter. Criteria: LabCorp Variant Classification Summary - May 2015. Collection method: clinical testing. Allele origin: germline.

Revvity Omics, Revvity
Classification: Uncertain significance. Last evaluated: 2024-12-18. Review status: criteria provided, single submitter. Criteria: ACMG Guidelines, 2015. Collection method: clinical testing. Allele origin: germline.

Athena Diagnostics
Classification: Uncertain significance. Last evaluated: 2024-04-12. Review status: criteria provided, single submitter. Criteria: Athena Diagnostics Criteria. Collection method: clinical testing. Allele origin: unknown.
Comment: Available data are insufficient to determine the clinical significance of the variant at this time. The frequency of this variant in the general population is uninformative in assessment of its pathogenicity. Computational tools predict that this variant is not damaging.

Labcorp Genetics (formerly Invitae), Labcorp
Classification: Uncertain significance for Dilated cardiomyopathy 1G; Autosomal recessive limb-girdle muscular dystrophy type 2J. Last evaluated: 2017-12-11. Review status: criteria provided, single submitter. Criteria: Invitae Variant Classification Sherloc (09022015). Collection method: clinical testing. Allele origin: germline.

Eurofins Ntd Llc (ga)
Classification: Uncertain significance. Last evaluated: 2014-09-17. Review status: criteria provided, single submitter. Criteria: EGL Classification Definitions 2015. Collection method: clinical testing. Allele origin: germline. Observed: 2 variant alleles, 2 heterozygotes.

GeneDx
Classification: Likely benign. Last evaluated: 2012-11-29. Review status: criteria provided, single submitter. Criteria: GeneDx Variant Classification (06012015). Collection method: clinical testing. Allele origin: germline. Affected: yes.
Comment: This variant is considered likely benign or benign based on one or more of the following criteria: it is a conservative change, it occurs at a poorly conserved position in the protein, it is predicted to be benign by multiple in silico algorithms, and/or has population frequency not consistent with disease.